The following is an entry in ClinVar:

ClinVar aggregate classification (germline): Uncertain significance (1 of 4 stars; one submission).

Conditions:
Centromeric instability of chromosomes 1,9 and 16 and immunodeficiency (ICF1). Also called: CENTROMERIC INSTABILITY, IMMUNODEFICIENCY SYNDROME; IMMUNE DEFICIENCY, VARIABLE, WITH CENTROMERIC INSTABILITY OF CHROMOSOMES 1, 9, AND 16; IMMUNODEFICIENCY SYNDROME, VARIABLE; Immunodeficiency-centromeric instability-facial anomalies. Identifiers: Orphanet 2268, MedGen C0398788, MONDO:0000133.

Allele frequency attached by ClinVar (database versions not stated): gnomAD exomes 0.00005 and 0.00007; ExAC 0.00007; gnomAD 0.00007; TOPMed 0.00007; ESP Exome Variant Server 0.00008.
gnomAD v4.1: 86 of 1,613,848 alleles (0.0053%); highest among the groups gnomAD compares: Middle Eastern, 0.033%; 2 homozygotes.

Submission:

Labcorp Genetics (formerly Invitae), Labcorp
Classification: Uncertain significance for Centromeric instability of chromosomes 1,9 and 16 and immunodeficiency. Last evaluated: 2022-08-06. Review status: criteria provided, single submitter. Criteria: Invitae Variant Classification Sherloc (09022015). Collection method: clinical testing. Allele origin: germline.
Comment: This sequence change replaces valine, which is neutral and non-polar, with isoleucine, which is neutral and non-polar, at codon 23 of the DNMT3B protein (p.Val23Ile). This variant is present in population databases (rs367766007, gnomAD 0.02%). This variant has not been reported in the literature in individuals affected with DNMT3B-related conditions. ClinVar contains an entry for this variant (Variation ID: 1402644). Algorithms developed to predict the effect of missense changes on protein structure and function output the following: SIFT: "Tolerated"; PolyPhen-2: "Benign"; Align-GVGD: "Class C0". The isoleucine amino acid residue is found in multiple mammalian species, which suggests that this missense change does not adversely affect protein function. In summary, the available evidence is currently insufficient to determine the role of this variant in disease. Therefore, it has been classified as a Variant of Uncertain Significance.

NM_006892.4(DNMT3B):c.67G>A (p.Val23Ile)

Gene: DNMT3B (DNA methyltransferase 3 beta; plus strand). Cytogenetic location: 20q11.21.
Variant type: single nucleotide variant.
Coding change: c.67G>A on transcript NM_006892.4 (MANE Select); coding-DNA position 67, G replaced by A.
Protein change: p.Val23Ile; replaces valine 23 with isoleucine.
Molecular consequence: missense variant.
Genome position (GRCh38, 1-based): chr20:32,780,390, G>A. VCF-style: chr20-32780390-G-A. GRCh37 (hg19) VCF-style: chr20-31368196-G-A.
Other names: c.67G>A, p.Val23Ile (NM_001207055.2, NM_001207056.2, NM_175848.2 and 1 more transcripts); c.103G>A, p.Val35Ile (NM_175850.3); short protein forms V23I, V35I.
Identifiers: ClinVar variation 1402644 (VCV001402644.5), dbSNP rs367766007, ClinGen allele CA9810016.